The following is an entry in ClinVar:

NM_000384.3(APOB):c.6732T>C (p.Ser2244=)

Gene: APOB (apolipoprotein B; minus strand). Cytogenetic location: 2p24.1.
Variant type: single nucleotide variant.
Coding change: c.6732T>C on transcript NM_000384.3 (MANE Select); coding-DNA position 6732, T replaced by C.
Protein change: p.Ser2244=; no amino-acid change (serine 2244 retained).
Molecular consequence: synonymous variant.
Genome position (GRCh38, 1-based): chr2:21,010,136, A>G on the plus strand (T>C on the coding strand, the complement: APOB is on the minus strand). VCF-style: chr2-21010136-A-G. GRCh37 (hg19) VCF-style: chr2-21233008-A-G.
Identifiers: ClinVar variation 1755150 (VCV001755150.4), dbSNP rs375217343, ClinGen allele CA063473.

ClinVar aggregate classification (germline): Likely benign. Review status: criteria provided, multiple submitters, no conflicts (2 of 4 stars). 3 submissions from 3 submitters: Likely benign (3). Last evaluated 2026-02-24.

Conditions:
Cardiovascular phenotype. Identifiers: MedGen CN230736.
Familial hypercholesterolemia. Also called: Familial hypercholesterolemias; Familial hypercholesterolaemia. Identifiers: MedGen C0020445, MONDO:0005439.

Allele frequency attached by ClinVar (database versions not stated): gnomAD 0.00001; gnomAD exomes 0.00001; ExAC 0.00002; ESP Exome Variant Server 0.00008.
gnomAD v4.1: 13 of 1,607,782 alleles (0.00081%); highest among the groups gnomAD compares: Non-Finnish European, 0.0011%; no homozygotes.

Submissions (3):

GENinCode PLC
Classification: Likely benign for Familial hypercholesterolemia. Last evaluated: 2026-02-24. Review status: criteria provided, single submitter. Criteria: ACMG Guidelines, 2015. Collection method: clinical testing. Allele origin: germline.
Comment: This is a synonymous (silent) variant that is not predicted to impact splicing and occurs at a nucleotide which is not highly conserved. This variant has been classified as Likely Benign (BP4, BP7).

Blueprint Genetics
Classification: Likely benign. Last evaluated: 2022-02-10. Review status: criteria provided, single submitter. Criteria: ACMG Guidelines, 2015. Collection method: clinical testing. Allele origin: germline.

Ambry Genetics
Classification: Likely benign for Cardiovascular phenotype. Last evaluated: 2021-04-05. Review status: criteria provided, single submitter. Criteria: Ambry Variant Classification Scheme 2023. Collection method: clinical testing. Allele origin: germline.